The following is an entry in ClinVar:

NM_003265.3(TLR3):c.424C>A (p.Pro142Thr)

Gene: TLR3 (toll like receptor 3; plus strand). Cytogenetic location: 4q35.1.
Variant type: single nucleotide variant.
Coding change: c.424C>A on transcript NM_003265.3 (MANE Select); coding-DNA position 424, C replaced by A.
Protein change: p.Pro142Thr; replaces proline 142 with threonine.
Molecular consequence: missense variant.
Genome position (GRCh38, 1-based): chr4:186,077,043, C>A. VCF-style: chr4-186077043-C-A. GRCh37 (hg19) VCF-style: chr4-186998197-C-A.
Other names: short protein forms P142T.
Identifiers: ClinVar variation 4753294 (VCV004753294.1).

ClinVar aggregate classification (germline): Uncertain significance (1 of 4 stars; one submission).

Conditions:
Encephalopathy, acute, infection-induced (herpes-specific), susceptibility to, 1. Also called: Herpes simplex encephalitis, susceptibility to, 1. Identifiers: Orphanet 1930, MedGen C2750180, MONDO:0024563, OMIM 610551.

gnomAD v4.1: 7 of 1,613,792 alleles (0.00043%); highest among the groups gnomAD compares: Non-Finnish European, 0.00051%; no homozygotes.

Submission:

Labcorp Genetics (formerly Invitae), Labcorp
Classification: Uncertain significance for Encephalopathy, acute, infection-induced (herpes-specific), susceptibility to, 1. Last evaluated: 2025-03-27. Review status: criteria provided, single submitter. Criteria: Invitae Variant Classification Sherloc (09022015). Collection method: clinical testing. Allele origin: germline.
Comment: This sequence change replaces proline, which is neutral and non-polar, with threonine, which is neutral and polar, at codon 142 of the TLR3 protein (p.Pro142Thr). This variant is present in population databases (no rsID available, gnomAD 0.01%). This variant has not been reported in the literature in individuals affected with TLR3-related conditions. An algorithm developed to predict the effect of missense changes on protein structure and function (PolyPhen-2) suggests that this variant is likely to be disruptive. In summary, the available evidence is currently insufficient to determine the role of this variant in disease. Therefore, it has been classified as a Variant of Uncertain Significance.